The following is an entry in ClinVar:

ClinVar aggregate classification (germline): Pathogenic/Likely pathogenic. Review status: criteria provided, multiple submitters, no conflicts (2 of 4 stars). 5 submissions from 5 submitters: Pathogenic (2); Likely pathogenic (3). Last evaluated 2026-01-08.

Conditions:
COL9A1-related disorder. Also called: COL9A1-related condition; COL9A1-related disorders.

Allele frequency attached by ClinVar (database versions not stated): ExAC 0.00001; gnomAD 0.00001; gnomAD exomes 0.00001; TOPMed 0.00002.
gnomAD v4.1: 6 of 1,613,420 alleles (0.00037%); highest among the groups gnomAD compares: Admixed American, 0.005%; no homozygotes.

Submissions (5):

Labcorp Genetics (formerly Invitae), Labcorp
Classification: Pathogenic. Last evaluated: 2026-01-08. Review status: criteria provided, single submitter. Criteria: Invitae Variant Classification Sherloc (09022015). Collection method: clinical testing. Allele origin: germline.
Comment: This sequence change creates a premature translational stop signal (p.Arg471*) in the COL9A1 gene. It is expected to result in an absent or disrupted protein product. Loss-of-function variants in COL9A1 are known to be pathogenic (PMID: 16909383, 21421862). This variant is present in population databases (rs745532481, gnomAD 0.006%). This variant has not been reported in the literature in individuals affected with COL9A1-related conditions. ClinVar contains an entry for this variant (Variation ID: 498917). Algorithms developed to predict the effect of sequence changes on RNA splicing suggest that this variant may disrupt the consensus splice site. For these reasons, this variant has been classified as Pathogenic.

PreventionGenetics, part of Exact Sciences
Classification: Likely pathogenic for COL9A1-related condition. Last evaluated: 2025-12-23. Review status: criteria provided, single submitter. Criteria: ACMG Guidelines, 2015. Collection method: clinical testing. Allele origin: germline.
Comment: The COL9A1 c.1411C>T variant is predicted to result in premature protein termination (p.Arg471*). To our knowledge, this variant has not been reported in the literature in individuals with COL9A1-related conditions. This variant is reported in 0.0058% of alleles in individuals of Latino descent in gnomAD. Nonsense variants in COL9A1 are expected to be pathogenic. This variant is interpreted as likely pathogenic.

GeneDx
Classification: Pathogenic. Last evaluated: 2025-05-27. Review status: criteria provided, single submitter. Criteria: GeneDx Variant Classification Process June 2021. Collection method: clinical testing. Allele origin: germline. Affected: yes.
Comment: Nonsense variant predicted to result in protein truncation or nonsense mediated decay in a gene for which loss-of-function is a known mechanism of disease; Not observed at significant frequency in large population cohorts (gnomAD); Has not been previously published as pathogenic or benign to our knowledge; This variant is associated with the following publications: (PMID: 31589614, 32868181)

Blueprint Genetics
Classification: Likely pathogenic for COL9A1-related disorders. Last evaluated: 2024-07-23. Review status: criteria provided, single submitter. Criteria: ACMG Guidelines, 2015. Collection method: clinical testing. Allele origin: germline. Affected: yes. Observed: 2 variant alleles.

Eurofins Ntd Llc (ga)
Classification: Likely pathogenic. Last evaluated: 2017-02-03. Review status: criteria provided, single submitter. Criteria: EGL Classification Definitions 2015. Collection method: clinical testing. Allele origin: germline. Observed: 1 variant allele, 1 heterozygote.

Literature cited by the submitters: PubMed 16909383 (cited by Labcorp Genetics (formerly Invitae), Labcorp); PubMed 21421862 (cited by Labcorp Genetics (formerly Invitae), Labcorp).

NM_001851.6(COL9A1):c.1411C>T (p.Arg471Ter)

Gene: COL9A1 (collagen type IX alpha 1 chain; minus strand). Cytogenetic location: 6q13.
Variant type: single nucleotide variant.
Coding change: c.1411C>T on transcript NM_001851.6 (MANE Select); coding-DNA position 1411, C replaced by T.
Protein change: p.Arg471Ter; replaces arginine 471 with a stop codon.
Molecular consequence: nonsense. On other transcripts: non-coding transcript variant (1).
Genome position (GRCh38, 1-based): chr6:70,260,695, G>A on the plus strand (C>T on the coding strand, the complement: COL9A1 is on the minus strand). VCF-style: chr6-70260695-G-A. GRCh37 (hg19) VCF-style: chr6-70970398-G-A.
Other names: c.682C>T, p.Arg228Ter (NM_001377289.1, NM_001377290.1, NM_078485.4); short protein forms R471*, R228*.
Identifiers: ClinVar variation 498917 (VCV000498917.16), dbSNP rs745532481, ClinGen allele CA3882227.
Genomic context (GRCh38, chr6:70,260,695, plus strand): 5'-ATTATTGTCATCACCATCTTACTTTTTCCCCTTTGTCCCCAACTATGCCGGTGATGCCTC[G>A]CAAACCCTGGGCTCCCTGGAAATGTGAAAAAGAGAAGTGAATTATTTTAGTTGAAGCAAA-3'